The following is an entry in ClinVar:

ClinVar aggregate classification (germline): Pathogenic. Review status: criteria provided, single submitter (1 of 4 stars). 2 submissions from 2 submitters: Pathogenic (1). 1 of the submissions does not count toward it. Last evaluated 2024-07-23.

Conditions:
Neutral lipid storage myopathy (NLSDM). Also called: NEUTRAL LIPID STORAGE DISEASE WITHOUT ICHTHYOSIS. Identifiers: Orphanet 98908, MedGen C1853136, MONDO:0012545, OMIM 610717.

Submissions (2):

Labcorp Genetics (formerly Invitae), Labcorp
Classification: Pathogenic for Neutral lipid storage myopathy. Last evaluated: 2024-07-23. Review status: criteria provided, single submitter. Criteria: Invitae Variant Classification Sherloc (09022015). Collection method: clinical testing. Allele origin: germline.
Comment: This sequence change creates a premature translational stop signal (p.His270Thrfs*50) in the PNPLA2 gene. It is expected to result in an absent or disrupted protein product. Loss-of-function variants in PNPLA2 are known to be pathogenic (PMID: 17187067). This variant is not present in population databases (gnomAD no frequency). This premature translational stop signal has been observed in individual(s) with neutral lipid storage disease with myopathy (PMID: 17187067). ClinVar contains an entry for this variant (Variation ID: 1873). For these reasons, this variant has been classified as Pathogenic.

OMIM
Classification: Pathogenic for NEUTRAL LIPID STORAGE DISEASE WITH MYOPATHY. Last evaluated: 2007-01-01. Review status: no assertion criteria provided. Collection method: literature only. Allele origin: germline. Not counted in ClinVar's aggregate classification.

Literature cited by the submitters: PubMed 17187067 (cited by Labcorp Genetics (formerly Invitae), Labcorp and OMIM).

NM_020376.4(PNPLA2):c.808del (p.His270fs)

Gene: PNPLA2 (patatin like domain 2, triacylglycerol lipase; plus strand). Cytogenetic location: 11p15.5.
Variant type: Deletion.
Coding change: c.808del on transcript NM_020376.4 (MANE Select); coding-DNA position 808, one base deleted (C; older notation c.808delC).
Protein change: p.His270fs; shifts the reading frame from histidine 270.
Molecular consequence: frameshift variant.
Genome position (GRCh38, 1-based): chr11:823,744, C deleted; the last of 5 consecutive C bases (chr11:823,740-823,744); deleting any one gives the same sequence. VCF-style (leftmost placement, unchanged base first): chr11-823739-GC-G. GRCh37 (hg19) VCF-style: chr11-823739-GC-G.
Other names: c.808del (NM_020376.3); short protein forms H270fs.
Identifiers: ClinVar variation 1873 (VCV000001873.10), dbSNP rs796065303, ClinGen allele CA115258.